The following is an entry in ClinVar:

ClinVar aggregate classification (germline): Uncertain significance (1 of 4 stars; one submission).

Conditions:
PTPN4-related disorder. Also called: PTPN4-related condition; PTPN4-Related Disorders.

Allele frequency attached by ClinVar (database versions not stated): gnomAD exomes below 0.00001.
gnomAD v4.1: 1 of 1,606,190 alleles (0.000062%); highest among the groups gnomAD compares: Non-Finnish European, 0.000085%; no homozygotes.

Submission:

PreventionGenetics, part of Exact Sciences
Classification: Uncertain significance for PTPN4-related condition. Last evaluated: 2022-10-05. Review status: criteria provided, single submitter. Criteria: ACMG Guidelines, 2015. Collection method: clinical testing. Allele origin: germline.
Comment: The PTPN4 c.1658C>A variant is predicted to result in the amino acid substitution p.Ala553Asp. To our knowledge, this variant has not been reported in the literature or in a large population database, indicating this variant is rare. At this time, the clinical significance of this variant is uncertain due to the absence of conclusive functional and genetic evidence.

NM_002830.4(PTPN4):c.1658C>A (p.Ala553Asp)

Gene: PTPN4 (protein tyrosine phosphatase non-receptor type 4; plus strand). Cytogenetic location: 2q14.2.
Variant type: single nucleotide variant.
Coding change: c.1658C>A on transcript NM_002830.4 (MANE Select); coding-DNA position 1658, C replaced by A.
Protein change: p.Ala553Asp; replaces alanine 553 with aspartic acid.
Molecular consequence: missense variant.
Genome position (GRCh38, 1-based): chr2:119,951,974, C>A. VCF-style: chr2-119951974-C-A. GRCh37 (hg19) VCF-style: chr2-120709550-C-A.
Other names: short protein forms A553D.
Identifiers: ClinVar variation 2637193 (VCV002637193.1), dbSNP rs2467085138, ClinGen allele CA348144470.